The following is an entry in ClinVar:

ClinVar aggregate classification (germline): Pathogenic (1 of 4 stars; one submission).

Conditions:
Multiple congenital exostosis (EXT). Also called: Multiple exostoses; MULTIPLE CARTILAGINOUS EXOSTOSES; Hereditary multiple exostoses; Hereditary multiple exostosis; Multiple osteochondromas; Hereditary multiple osteochondromas. Identifiers: Orphanet 321, MedGen C0015306, MONDO:0005508, HP:0002762.

Submission:

Labcorp Genetics (formerly Invitae), Labcorp
Classification: Pathogenic for Multiple congenital exostosis. Last evaluated: 2025-04-19. Review status: criteria provided, single submitter. Criteria: Invitae Variant Classification Sherloc (09022015). Collection method: clinical testing. Allele origin: germline.
Comment: This sequence change creates a premature translational stop signal (p.Phe65Serfs*71) in the EXT1 gene. It is expected to result in an absent or disrupted protein product. Loss-of-function variants in EXT1 are known to be pathogenic (PMID: 10679937, 11391482, 19810120). This variant is not present in population databases (gnomAD no frequency). This variant has not been reported in the literature in individuals affected with EXT1-related conditions. For these reasons, this variant has been classified as Pathogenic.

Literature cited by the submitters: PubMed 10679937; PubMed 11391482; PubMed 19810120.

NM_000127.3(EXT1):c.192del (p.Phe65fs)

Gene: EXT1 (exostosin glycosyltransferase 1; minus strand). Cytogenetic location: 8q24.11.
Variant type: Deletion.
Coding change: c.192del on transcript NM_000127.3 (MANE Select); coding-DNA position 192, one base deleted (C; older notation c.192delC).
Protein change: p.Phe65fs; shifts the reading frame from phenylalanine 65.
Molecular consequence: frameshift variant.
Genome position (GRCh38, 1-based): chr8:118,110,855, G deleted on the plus strand (C on the coding strand, the reverse complement: EXT1 is on the minus strand); the first of 4 consecutive G bases (chr8:118,110,855-118,110,858); deleting any one gives the same sequence. VCF-style (leftmost placement, unchanged base first): chr8-118110854-AG-A. GRCh37 (hg19) VCF-style: chr8-119123093-AG-A.
Other names: short protein forms F65fs.
Identifiers: ClinVar variation 4717932 (VCV004717932.1).
Genomic context (GRCh38, chr8:118,110,854, plus strand): 5'-TCTGCCGGGGGGAAATGTGCACGCTGGAATCCTCGTTTTCCAATTGATCCCAAGGAACGA[AG>A]GGGCGCAGAGCGTCCGGGAAGCGGGGCCAGAAATGATCCGGACTGGGGTGGTGCAAGCCA-3'